The following is an entry in ClinVar:

NM_006218.4(PIK3CA):c.37A>G (p.Ile13Val)

Gene: PIK3CA (phosphatidylinositol-4,5-bisphosphate 3-kinase catalytic subunit alpha; plus strand). Cytogenetic location: 3q26.32.
Variant type: single nucleotide variant.
Coding change: c.37A>G on transcript NM_006218.4 (MANE Select); coding-DNA position 37, A replaced by G.
Protein change: p.Ile13Val; replaces isoleucine 13 with valine.
Molecular consequence: missense variant.
Genome position (GRCh38, 1-based): chr3:179,198,862, A>G. VCF-style: chr3-179198862-A-G. GRCh37 (hg19) VCF-style: chr3-178916650-A-G.
Other names: short protein forms I13V.
Identifiers: ClinVar variation 1470592 (VCV001470592.8), dbSNP rs2108385090, ClinGen allele CA355270453.
Genomic context (GRCh38, chr3:179,198,862, plus strand): 5'-TAAAACTTGCAAAGAATCAGAACAATGCCTCCACGACCATCATCAGGTGAACTGTGGGGC[A>G]TCCACTTGATGCCCCCAAGAATCCTAGTAGAATGTTTACTACCAAATGGAATGATAGTGA-3'
Protein context (NP_006209.2, residues 3-23): PRPSSGELWG[Ile13Val]HLMPPRILVE

ClinVar aggregate classification (germline): Uncertain significance (1 of 4 stars; one submission).

Conditions:
Cowden syndrome (CS). Also called: Cowden's disease; Cowden's syndrome; Cowden disease. Identifiers: Orphanet 201, MedGen C0018553, MONDO:0016063. Disease mechanism: gain of function.

Submission:

Labcorp Genetics (formerly Invitae), Labcorp
Classification: Uncertain significance for Cowden syndrome. Last evaluated: 2021-05-07. Review status: criteria provided, single submitter. Criteria: Invitae Variant Classification Sherloc (09022015). Collection method: clinical testing. Allele origin: germline.
Comment: In summary, the available evidence is currently insufficient to determine the role of this variant in disease. Therefore, it has been classified as a Variant of Uncertain Significance. Advanced modeling of protein sequence and biophysical properties (such as structural, functional, and spatial information, amino acid conservation, physicochemical variation, residue mobility, and thermodynamic stability) performed at Invitae indicates that this missense variant is not expected to disrupt PIK3CA protein function. This variant has not been reported in the literature in individuals with PIK3CA-related conditions. This variant is not present in population databases (ExAC no frequency). This sequence change replaces isoleucine with valine at codon 13 of the PIK3CA protein (p.Ile13Val). The isoleucine residue is highly conserved and there is a small physicochemical difference between isoleucine and valine.